The following is an entry in ClinVar:

NM_005876.5(SPEG):c.3307_3308delinsGT (p.Pro1103Val)

Gene: SPEG (striated muscle enriched protein kinase; plus strand). Cytogenetic location: 2q35.
Variant type: Indel.
Coding change: c.3307_3308delinsGT on transcript NM_005876.5 (MANE Select); coding-DNA positions 3307 to 3308, CC replaced by GT.
Protein change: p.Pro1103Val; replaces proline 1103 with valine.
Molecular consequence: missense variant.
Genome position (GRCh38, 1-based): chr2:219,468,864-219,468,865, CC replaced by GT. VCF-style: chr2-219468864-CC-GT. GRCh37 (hg19) VCF-style: chr2-220333586-CC-GT.
Other names: short protein forms P1103V.
Identifiers: ClinVar variation 1394762 (VCV001394762.6), dbSNP rs2125465084, ClinGen allele CA2573135399.

ClinVar aggregate classification (germline): Uncertain significance (1 of 4 stars; one submission).

Submission:

Labcorp Genetics (formerly Invitae), Labcorp
Classification: Uncertain significance. Last evaluated: 2023-05-08. Review status: criteria provided, single submitter. Criteria: Invitae Variant Classification Sherloc (09022015). Collection method: clinical testing. Allele origin: germline.
Comment: This variant has not been reported in the literature in individuals affected with SPEG-related conditions. In summary, the available evidence is currently insufficient to determine the role of this variant in disease. Therefore, it has been classified as a Variant of Uncertain Significance. An algorithm developed to predict the effect of missense changes on protein structure and function (PolyPhen-2) suggests that this variant is likely to be tolerated. ClinVar contains an entry for this variant (Variation ID: 1394762). Information on the frequency of this variant in the gnomAD database is not available, as this variant may be reported differently in the database. This sequence change replaces proline, which is neutral and non-polar, with valine, which is neutral and non-polar, at codon 1103 of the SPEG protein (p.Pro1103Val).